The following is an entry in ClinVar:

ClinVar aggregate classification (germline): Uncertain significance. Review status: criteria provided, multiple submitters, no conflicts (2 of 4 stars). 3 submissions from 3 submitters: Uncertain significance (3). Last evaluated 2025-07-21.

Conditions:
Baller-Gerold syndrome (BGS). Also called: CRANIOSYNOSTOSIS WITH RADIAL DEFECTS. Identifiers: Orphanet 1225, MedGen C0265308, MONDO:0009039, OMIM 218600.
Rothmund-Thomson syndrome type 2 (RTS2). Identifiers: Orphanet 221016, MedGen C5203410, MONDO:0016369, OMIM 268400.

Allele frequency attached by ClinVar (database versions not stated): gnomAD 0.00001; TOPMed 0.00002; gnomAD exomes 0.00003.

Submissions (3):

Institute for Genomic Medicine (IGM) Clinical Laboratory, Nationwide Children's Hospital
Classification: Uncertain significance for Rothmund-Thomson syndrome type 2. Last evaluated: 2025-07-21. Review status: criteria provided, single submitter. Criteria: ACMG Guidelines, 2015. Collection method: clinical testing. Allele origin: germline.
Comment: This variant is absent from or present at an exceedingly low frequency in gnomAD, a large-scale control population database (ACMG/AMP: PM2). This variant results in a missense alteration in a gene for which primarily truncating variants are known to cause disease (ACMG/AMP: BP1).

Labcorp Genetics (formerly Invitae), Labcorp
Classification: Uncertain significance for Baller-Gerold syndrome. Last evaluated: 2024-06-10. Review status: criteria provided, single submitter. Criteria: Invitae Variant Classification Sherloc (09022015). Collection method: clinical testing. Allele origin: germline.
Comment: This sequence change replaces proline, which is neutral and non-polar, with alanine, which is neutral and non-polar, at codon 1087 of the RECQL4 protein (p.Pro1087Ala). This variant is present in population databases (no rsID available, gnomAD 0.01%). This variant has not been reported in the literature in individuals affected with RECQL4-related conditions. ClinVar contains an entry for this variant (Variation ID: 661173). Advanced modeling of protein sequence and biophysical properties (such as structural, functional, and spatial information, amino acid conservation, physicochemical variation, residue mobility, and thermodynamic stability) has been performed at Invitae for this missense variant, however the output from this modeling did not meet the statistical confidence thresholds required to predict the impact of this variant on RECQL4 protein function. In summary, the available evidence is currently insufficient to determine the role of this variant in disease. Therefore, it has been classified as a Variant of Uncertain Significance.

GeneDx
Classification: Uncertain significance. Last evaluated: 2023-11-29. Review status: criteria provided, single submitter. Criteria: GeneDx Variant Classification Process June 2021. Collection method: clinical testing. Allele origin: germline. Affected: yes.
Comment: In silico analysis supports that this missense variant does not alter protein structure/function; Has not been previously published as pathogenic or benign to our knowledge

NM_004260.4(RECQL4):c.3259C>G (p.Pro1087Ala)

Gene: RECQL4 (RecQ like helicase 4; minus strand). Cytogenetic location: 8q24.3.
Variant type: single nucleotide variant.
Coding change: c.3259C>G on transcript NM_004260.4 (MANE Select); coding-DNA position 3259, C replaced by G.
Protein change: p.Pro1087Ala; replaces proline 1087 with alanine.
Molecular consequence: missense variant.
Genome position (GRCh38, 1-based): chr8:144,512,045, G>C on the plus strand (C>G on the coding strand, the complement: RECQL4 is on the minus strand). VCF-style: chr8-144512045-G-C. GRCh37 (hg19) VCF-style: chr8-145737428-G-C.
Other names: short protein forms P1087A.
Identifiers: ClinVar variation 661173 (VCV000661173.9), dbSNP rs768802673, ClinGen allele CA187679209.